The following is an entry in ClinVar:

NC_012920.1(MT-CYB):m.15828C>T

Gene: MT-CYB (mitochondrially encoded cytochrome b; plus strand).
Variant type: single nucleotide variant.
Genome position: chrM-15828-C-T.
Identifiers: ClinVar variation 693961 (VCV000693961.1), dbSNP rs1603225527, ClinGen allele CA913174956.

ClinVar aggregate classification (germline): Likely benign (1 of 4 stars; one submission).

Conditions:
Leigh syndrome (NULS). Also called: Leigh's necrotizing encephalopathy; Leigh's disease; Leigh's syndrome; LEIGH SYNDROME, NUCLEAR; Leigh Syndrome (mtDNA deletion); Leigh Disease. Identifiers: Orphanet 506, MedGen C2931891, MONDO:0009723, OMIM 256000.

Submission:

Wong Mito Lab, Molecular and Human Genetics, Baylor College of Medicine
Classification: Likely benign for Leigh syndrome. Last evaluated: 2019-10-17. Review status: criteria provided, single submitter. Criteria: Modified ACMG Guidelines (Unpublished). Collection method: clinical testing. Allele origin: germline.
Comment: The NC_012920.1:m.15828C>T (YP_003024038.1:p.Thr361Met) variant in MTCYB gene is interpretated to be a Likely Benign variant based on the modified ACMG guidelines (unpublished). This variant meets the following evidence codes: BS1, BP6